The following is an entry in ClinVar:

NM_001083619.3(GRIA2):c.1142A>G (p.Asn381Ser)

Gene: GRIA2 (glutamate ionotropic receptor AMPA type subunit 2; plus strand). Cytogenetic location: 4q32.1.
Variant type: single nucleotide variant.
Coding change: c.1142A>G on transcript NM_001083619.3 (MANE Select); coding-DNA position 1142, A replaced by G.
Protein change: p.Asn381Ser; replaces asparagine 381 with serine.
Molecular consequence: missense variant.
Genome position (GRCh38, 1-based): chr4:157,333,340, A>G. VCF-style: chr4-157333340-A-G. GRCh37 (hg19) VCF-style: chr4-158254492-A-G.
Other names: c.1142A>G, p.Asn381Ser (NM_000826.6); c.1001A>G, p.Asn334Ser (NM_001083620.3, NM_001379000.3, NM_001379001.3); short protein forms N334S, N381S.
Identifiers: ClinVar variation 2283684 (VCV002283684.3), dbSNP rs370184465, ClinGen allele CA3120324.

ClinVar aggregate classification (germline): Uncertain significance (1 of 4 stars; one submission).

Conditions:
Inborn genetic diseases. Identifiers: MedGen C0950123, MeSH D030342.

gnomAD v4.1: 17 of 1,576,250 alleles (0.0011%); highest among the groups gnomAD compares: Non-Finnish European, 0.0013%; no homozygotes.

Submission:

Ambry Genetics
Classification: Uncertain significance for Inborn genetic diseases. Last evaluated: 2025-05-19. Review status: criteria provided, single submitter. Criteria: Ambry Variant Classification Scheme 2023. Collection method: clinical testing. Allele origin: germline.
Comment: The c.1142A>G (p.N381S) alteration is located in exon 8 (coding exon 8) of the GRIA2 gene. This alteration results from an A to G substitution at nucleotide position 1142, causing the asparagine (N) at amino acid position 381 to be replaced by a serine (S). Based on data from gnomAD, the G allele has an overall frequency of 0.001% (2/242106) total alleles studied. The highest observed frequency was 0.002% (2/110740) of European (non-Finnish) alleles. This amino acid position is not well conserved in available vertebrate species. This alteration is predicted to be tolerated by in silico analysis. Based on insufficient or conflicting evidence, the clinical significance of this alteration remains unclear.